The following is an entry in ClinVar:

ClinVar aggregate classification (germline): Likely benign. Review status: criteria provided, multiple submitters, no conflicts (2 of 4 stars). 3 submissions from 3 submitters: Likely benign (3). Last evaluated 2025-11-10.

Conditions:
Inborn genetic diseases. Identifiers: MedGen C0950123, MeSH D030342.

Allele frequency attached by ClinVar (database versions not stated): gnomAD 0.00005 and 0.00006; gnomAD exomes 0.00006 and 0.00012; ExAC 0.00007; TOPMed 0.00007.
gnomAD v4.1: 182 of 1,613,924 alleles (0.011%); highest among the groups gnomAD compares: Non-Finnish European, 0.014%; no homozygotes.

Submissions (3):

Labcorp Genetics (formerly Invitae), Labcorp
Classification: Likely benign. Last evaluated: 2025-11-10. Review status: criteria provided, single submitter. Criteria: Invitae Variant Classification Sherloc (09022015). Collection method: clinical testing. Allele origin: germline.

CeGaT Center for Human Genetics Tuebingen
Classification: Likely benign. Last evaluated: 2024-03-01. Review status: criteria provided, single submitter. Criteria: CeGaT Center For Human Genetics Tuebingen Variant Classification Criteria Version 2. Collection method: clinical testing. Allele origin: germline. Affected: yes. Observed: 1 variant allele.
Comment: MDH2: BP4, BP7

Ambry Genetics
Classification: Likely benign for Inborn genetic diseases. Last evaluated: 2022-03-11. Review status: criteria provided, single submitter. Criteria: Ambry Variant Classification Scheme 2023. Collection method: clinical testing. Allele origin: germline.

NM_005918.4(MDH2):c.333C>T (p.Asp111=)

Gene: MDH2 (malate dehydrogenase 2; plus strand). Cytogenetic location: 7q11.23.
Variant type: single nucleotide variant.
Coding change: c.333C>T on transcript NM_005918.4 (MANE Select); coding-DNA position 333, C replaced by T.
Protein change: p.Asp111=; no amino-acid change (aspartic acid 111 retained).
Molecular consequence: synonymous variant.
Genome position (GRCh38, 1-based): chr7:76,057,982, C>T. VCF-style: chr7-76057982-C-T. GRCh37 (hg19) VCF-style: chr7-75687300-C-T.
Other names: c.333C>T, p.Asp111= (NM_001282403.2); c.12C>T, p.Asp4= (NM_001282404.2).
Identifiers: ClinVar variation 1564053 (VCV001564053.31), dbSNP rs529395182, ClinGen allele CA4305505.